The following is an entry in ClinVar:

NM_019066.5(MAGEL2):c.890C>T (p.Pro297Leu)

Gene: MAGEL2 (MAGE family member L2; minus strand). Cytogenetic location: 15q11.2.
Variant type: single nucleotide variant.
Coding change: c.890C>T on transcript NM_019066.5 (MANE Select); coding-DNA position 890, C replaced by T.
Protein change: p.Pro297Leu; replaces proline 297 with leucine.
Molecular consequence: missense variant.
Genome position (GRCh38, 1-based): chr15:23,646,853, G>A on the plus strand (C>T on the coding strand, the complement: MAGEL2 is on the minus strand). VCF-style: chr15-23646853-G-A. GRCh37 (hg19) VCF-style: chr15-23892000-G-A.
Other names: short protein forms P297L.
Identifiers: ClinVar variation 3292691 (VCV003292691.2).

ClinVar aggregate classification (germline): Uncertain significance. Review status: criteria provided, multiple submitters, no conflicts (2 of 4 stars). 2 submissions from 2 submitters: Uncertain significance (2). Last evaluated 2025-07-22.

Conditions:
MAGEL2-related disorder. Also called: MAGEL2-related condition.
Inborn genetic diseases. Identifiers: MedGen C0950123, MeSH D030342.

Submissions (2):

PreventionGenetics, part of Exact Sciences
Classification: Uncertain significance for MAGEL2-related condition. Last evaluated: 2025-07-22. Review status: criteria provided, single submitter. Criteria: ACMG Guidelines, 2015. Collection method: clinical testing. Allele origin: germline.
Comment: The MAGEL2 c.890C>T variant is predicted to result in the amino acid substitution p.Pro297Leu. To our knowledge, this variant has not been reported in the literature. This variant is reported in 0.0065% of alleles in individuals of European (Non-Finnish) descent in gnomAD. At this time, the clinical significance of this variant is uncertain due to the absence of conclusive functional and genetic evidence.

Ambry Genetics
Classification: Uncertain significance for Inborn genetic diseases. Last evaluated: 2024-05-07. Review status: criteria provided, single submitter. Criteria: Ambry Variant Classification Scheme 2023. Collection method: clinical testing. Allele origin: germline.